The following is an entry in ClinVar:

ClinVar aggregate classification (germline): Likely pathogenic. Review status: criteria provided, single submitter (1 of 4 stars). 2 submissions from 2 submitters: Likely pathogenic (1). 1 of the submissions does not count toward it.

Conditions:
Diabetes mellitus. Also called: Diabetes mellitus (disease). Identifiers: MedGen C0011849, MONDO:0005015, HP:0000819.
Neonatal insulin-dependent diabetes mellitus. Identifiers: MedGen C3278636, HP:0000857.

Submissions (2):

Clinical Genomics, Uppaluri K&H Personalized Medicine Clinic
Classification: Likely pathogenic for Neonatal insulin-dependent diabetes mellitus. Review status: criteria provided, single submitter. Criteria: K & H Uppaluri Personalized Medicine Clinic Variant Classification & Assertion Criteria_Updated V.1. Collection method: research. Allele origin: unknown.
Comment: Mutations in INS gene can cause early onset diabetes mellitus which is insulin dependent. May have poor response to sulfonylureas, as this mutation can cause beta cell destruction. However no sufficient evidence is found to ascertain the role of this particular variant rs1845873878, yet.

Constantin Polychronakos Laboratory, The Research Institute of the McGill University Health Centre
Classification: Likely pathogenic for Diabetes mellitus. Review status: no assertion criteria provided. Collection method: research. Allele origin: maternal. Inheritance: Autosomal dominant inheritance. Affected: yes. Study: T1DGC. Not counted in ClinVar's aggregate classification.
Comment: PVS1 PM2 PP3

Literature cited by the submitters: PubMed 11921414 (cited by Clinical Genomics, Uppaluri K&H Personalized Medicine Clinic); PubMed 25542748 (cited by Clinical Genomics, Uppaluri K&H Personalized Medicine Clinic); PubMed 26101329 (cited by Clinical Genomics, Uppaluri K&H Personalized Medicine Clinic); PubMed 18171712 (cited by Clinical Genomics, Uppaluri K&H Personalized Medicine Clinic).

NM_000207.3(INS):c.174del (p.Glu59fs)

Genes: INS (insulin; minus strand), INS-IGF2 (INS-IGF2 readthrough; minus strand). Cytogenetic location: 11p15.5.
Variant type: Deletion.
Coding change: c.174del on transcript NM_000207.3 (MANE Select); coding-DNA position 174, one base deleted (A; older notation c.174delA).
Protein change: p.Glu59fs; shifts the reading frame from glutamic acid 59.
Molecular consequence: frameshift variant. On other transcripts: non-coding transcript variant (1).
Genome position (GRCh38, 1-based): chr11:2,160,798, T deleted on the plus strand (A on the coding strand, the reverse complement: INS is on the minus strand). VCF-style (leftmost placement, unchanged base first): chr11-2160797-CT-C. GRCh37 (hg19) VCF-style: chr11-2182027-CT-C.
Other names: c.174del, p.Glu59fs (NM_001185097.2, NM_001185098.2, NM_001291897.2 and 1 more transcripts); short protein forms E59fs.
Identifiers: ClinVar variation 916729 (VCV000916729.2), dbSNP rs1845873878, ClinGen allele CA1139661743.